The following is an entry in ClinVar:

ClinVar aggregate classification (germline): Uncertain significance (1 of 4 stars; one submission).

Conditions:
Cowden syndrome 6 (CWS6). Identifiers: Orphanet 201, MedGen C3554519, MONDO:0014048, OMIM 615109.

Submission:

Labcorp Genetics (formerly Invitae), Labcorp
Classification: Uncertain significance for Cowden syndrome 6. Last evaluated: 2023-07-24. Review status: criteria provided, single submitter. Criteria: Invitae Variant Classification Sherloc (09022015). Collection method: clinical testing. Allele origin: germline.
Comment: ClinVar contains an entry for this variant (Variation ID: 851599). This variant, c.349_351del, results in the deletion of 1 amino acid(s) of the AKT1 protein (p.Glu117del), but otherwise preserves the integrity of the reading frame. The frequency data for this variant in the population databases is considered unreliable, as metrics indicate poor data quality at this position in the gnomAD database. This variant has not been reported in the literature in individuals affected with AKT1-related conditions. Experimental studies and prediction algorithms are not available or were not evaluated, and the functional significance of this variant is currently unknown. In summary, the available evidence is currently insufficient to determine the role of this variant in disease. Therefore, it has been classified as a Variant of Uncertain Significance.

NM_001382430.1(AKT1):c.340GAG[3] (p.Glu117del)

Gene: AKT1 (AKT serine/threonine kinase 1; minus strand). Cytogenetic location: 14q32.33.
Variant type: Microsatellite.
Coding change: c.340GAG[3] on transcript NM_001382430.1 (MANE Select); three copies in a row of the 3-base unit GAG starting at c.340; the reference has four copies in a row; one copy, 3 bases deleted.
Protein change: p.Glu117del; deletes glutamic acid 117.
Molecular consequence: inframe deletion.
Genome position (GRCh38, 1-based): chr14:104,775,736-104,775,738, CTC deleted on the plus strand (GAG on the coding strand, the reverse complement: AKT1 is on the minus strand); deleting any 3 consecutive bases within chr14:104,775,736-104,775,749 gives the same sequence; the position shown is the placement nearest the transcript's 3' end. VCF-style (leftmost placement, unchanged base first): chr14-104775735-TCTC-T. GRCh37 (hg19) VCF-style: chr14-105242072-TCTC-T.
Other names: c.349_351del (NM_005163.2); c.340GAG[3], p.Glu117del (NM_001014431.2, NM_001014432.2, NM_001382431.1 and 3 more transcripts); short protein forms E117del.
Identifiers: ClinVar variation 851599 (VCV000851599.9), dbSNP rs768025881, ClinGen allele CA7374809.